The following is an entry in ClinVar:

NM_001082971.2(DDC):c.254C>A (p.Ser85Ter)

Genes: DDC (dopa decarboxylase; minus strand), DDC-AS1 (DDC antisense RNA 1; plus strand). Cytogenetic location: 7p12.1.
Variant type: single nucleotide variant.
Coding change: c.254C>A on transcript NM_001082971.2 (MANE Select); coding-DNA position 254, C replaced by A.
Protein change: p.Ser85Ter; replaces serine 85 with a stop codon.
Molecular consequence: nonsense. On other transcripts: non-coding transcript variant (1), intron variant (2).
Genome position (GRCh38, 1-based): chr7:50,539,976, G>T on the plus strand (C>A on the coding strand, the complement: DDC is on the minus strand). VCF-style: chr7-50539976-G-T. GRCh37 (hg19) VCF-style: chr7-50607674-G-T.
Other names: c.254C>A, p.Ser85Ter (NM_000790.4, NM_001242887.2, NM_001242889.2 and 1 more transcripts); c.201+3909C>A (NM_001242888.2); c.202-1997C>A (NM_001242886.2); short protein forms S85*.
Identifiers: ClinVar variation 2044171 (VCV002044171.4), dbSNP rs764694805, ClinGen allele CA367529737.

ClinVar aggregate classification (germline): Pathogenic (1 of 4 stars; one submission).

Conditions:
Deficiency of aromatic-L-amino-acid decarboxylase. Also called: AADC DEFICIENCY; DDC DEFICIENCY; DOPA DECARBOXYLASE DEFICIENCY; Aromatic L-Amino Acid Decarboxylase Deficiency; Aromatic amino acid decarboxylase deficiency. Identifiers: Orphanet 35708, MedGen C1291564, MONDO:0012084, OMIM 608643.

gnomAD v4.1: 7 of 1,613,996 alleles (0.00043%); highest among the groups gnomAD compares: Non-Finnish European, 0.00051%; no homozygotes.

Submission:

Labcorp Genetics (formerly Invitae), Labcorp
Classification: Pathogenic for Deficiency of aromatic-L-amino-acid decarboxylase. Last evaluated: 2021-12-16. Review status: criteria provided, single submitter. Criteria: Invitae Variant Classification Sherloc (09022015). Collection method: clinical testing. Allele origin: germline.
Comment: For these reasons, this variant has been classified as Pathogenic. This variant has not been reported in the literature in individuals affected with DDC-related conditions. This variant is not present in population databases (gnomAD no frequency). This sequence change creates a premature translational stop signal (p.Ser85*) in the DDC gene. It is expected to result in an absent or disrupted protein product. Loss-of-function variants in DDC are known to be pathogenic (PMID: 15079002, 24788355).

Literature cited by the submitters: PubMed 15079002; PubMed 24788355.